The following is an entry in ClinVar:

ClinVar aggregate classification (germline): Pathogenic. Review status: criteria provided, multiple submitters, no conflicts (2 of 4 stars). 2 submissions from 2 submitters: Pathogenic (2). Last evaluated 2023-08-07.

Conditions:
Juvenile polyposis syndrome (JPS). Identifiers: Orphanet 2929, MedGen C0345893, MONDO:0017380, OMIM 174900.

Submissions (2):

Myriad Genetics, Inc.
Classification: Pathogenic for Juvenile polyposis syndrome. Last evaluated: 2023-08-07. Review status: criteria provided, single submitter. Criteria: Myriad Autosomal Dominant, Autosomal Recessive and X-Linked Classification Criteria (2023). Collection method: clinical testing. Allele origin: unknown.
Comment: This variant is considered pathogenic. This variant creates a frameshift predicted to result in premature protein truncation.

Labcorp Genetics (formerly Invitae), Labcorp
Classification: Pathogenic for Juvenile polyposis syndrome. Last evaluated: 2022-04-08. Review status: criteria provided, single submitter. Criteria: Invitae Variant Classification Sherloc (09022015). Collection method: clinical testing. Allele origin: germline.
Comment: This sequence change creates a premature translational stop signal (p.Leu193Phefs*5) in the BMPR1A gene. It is expected to result in an absent or disrupted protein product. Loss-of-function variants in BMPR1A are known to be pathogenic (PMID: 11536076, 12417513). This variant is not present in population databases (gnomAD no frequency). For these reasons, this variant has been classified as Pathogenic. ClinVar contains an entry for this variant (Variation ID: 460506). This variant has not been reported in the literature in individuals affected with BMPR1A-related conditions.

Literature cited by the submitters: PubMed 11536076 (cited by Labcorp Genetics (formerly Invitae), Labcorp); PubMed 12417513 (cited by Labcorp Genetics (formerly Invitae), Labcorp).

NM_004329.3(BMPR1A):c.578dup (p.Leu193fs)

Gene: BMPR1A (bone morphogenetic protein receptor type 1A; plus strand). Cytogenetic location: 10q23.2.
Variant type: Duplication.
Coding change: c.578dup on transcript NM_004329.3 (MANE Select); coding-DNA position 578, one base duplicated (T; older notation c.578dupT).
Protein change: p.Leu193fs; shifts the reading frame from leucine 193.
Molecular consequence: frameshift variant.
Genome position (GRCh38, 1-based): chr10:86,912,287, T duplicated; the last of 3 consecutive T bases (chr10:86,912,285-86,912,287); duplicating any one gives the same sequence. VCF-style (leftmost placement, unchanged base first): chr10-86912284-A-AT. GRCh37 (hg19) VCF-style: chr10-88672041-A-AT.
Other names: c.578dupT (NM_004329.2); short protein forms L193fs.
Identifiers: ClinVar variation 460506 (VCV000460506.10), dbSNP rs1554890219, ClinGen allele CA658657981.